The following is an entry in ClinVar:

NM_000626.4(CD79B):c.641G>A (p.Arg214Gln)

Genes: CD79B (CD79b molecule; minus strand), GH-LCR (growth hormone locus control region; plus strand). Cytogenetic location: 17q23.3.
Variant type: single nucleotide variant.
Coding change: c.641G>A on transcript NM_000626.4 (MANE Select); coding-DNA position 641, G replaced by A.
Protein change: p.Arg214Gln; replaces arginine 214 with glutamine.
Molecular consequence: missense variant.
Genome position (GRCh38, 1-based): chr17:63,929,275, C>T on the plus strand (G>A on the coding strand, the complement: CD79B is on the minus strand). VCF-style: chr17-63929275-C-T. GRCh37 (hg19) VCF-style: chr17-62006635-C-T.
Other names: c.644G>A, p.Arg215Gln (NM_001039933.3); c.332G>A, p.Arg111Gln (NM_001329050.2); c.329G>A, p.Arg110Gln (NM_021602.4); short protein forms R215Q, R110Q, R111Q, R214Q.
Identifiers: ClinVar variation 1986905 (VCV001986905.1), dbSNP rs1169314441, ClinGen allele CA400603153.
Genomic context (GRCh38, chr17:63,929,275, plus strand): 5'-CGACCTGGCTCTCACTCCTGGCCTGGGTGCTCACCTACAGACCACTTCACTTCCCCTGTC[C>T]GCAGCGTCACTATGTCCTCATAGGTGGCTGTCTGGTCAATGTCCAGGCCCTGGAGACATT-3'
Protein context (NP_000617.1, residues 204-224): TATYEDIVTL[Arg214Gln]TGEVKWSVGE

ClinVar aggregate classification (germline): Uncertain significance (1 of 4 stars; one submission).

Conditions:
Agammaglobulinemia 6, autosomal recessive (AGM6). Also called: AGAMMAGLOBULINEMIA, AUTOSOMAL RECESSIVE, DUE TO CD79B DEFECT; AGAMMAGLOBULINEMIA 6. Identifiers: MedGen C3150207, MONDO:0012987, OMIM 612692.

Allele frequency attached by ClinVar (database versions not stated): TOPMed 0.00001; gnomAD 0.00002; gnomAD exomes 0.00004.
gnomAD v4.1: 65 of 1,613,930 alleles (0.004%); highest among the groups gnomAD compares: Non-Finnish European, 0.0053%; no homozygotes.

Submission:

Labcorp Genetics (formerly Invitae), Labcorp
Classification: Uncertain significance for Agammaglobulinemia 6, autosomal recessive. Last evaluated: 2022-05-03. Review status: criteria provided, single submitter. Criteria: Invitae Variant Classification Sherloc (09022015). Collection method: clinical testing. Allele origin: germline.
Comment: This sequence change replaces arginine, which is basic and polar, with glutamine, which is neutral and polar, at codon 214 of the CD79B protein (p.Arg214Gln). This variant is present in population databases (no rsID available, gnomAD 0.005%). This variant has not been reported in the literature in individuals affected with CD79B-related conditions. Algorithms developed to predict the effect of missense changes on protein structure and function are either unavailable or do not agree on the potential impact of this missense change (SIFT: "Not Available"; PolyPhen-2: "Probably Damaging"; Align-GVGD: "Not Available"). In summary, the available evidence is currently insufficient to determine the role of this variant in disease. Therefore, it has been classified as a Variant of Uncertain Significance.